The following is an entry in ClinVar:

NM_016366.3(CABP2):c.490-8C>A

Gene: CABP2 (calcium binding protein 2; minus strand). Cytogenetic location: 11q13.2.
Variant type: single nucleotide variant.
Coding change: c.490-8C>A on transcript NM_016366.3 (MANE Select); 8 bases into the intron before coding-DNA position 490, C replaced by A.
Molecular consequence: intron variant.
Genome position (GRCh38, 1-based): chr11:67,519,948, G>T on the plus strand (C>A on the coding strand, the complement: CABP2 is on the minus strand). VCF-style: chr11-67519948-G-T. GRCh37 (hg19) VCF-style: chr11-67287419-G-T.
Other names: c.508-8C>A (NM_001318496.2).
Identifiers: ClinVar variation 1698683 (VCV001698683.3), dbSNP rs776117741, ClinGen allele CA2580084626.
Genomic context (GRCh38, chr11:67,519,948, plus strand): 5'-AGGGCCGCCCGGAGCTCGCCCACGCTGATGCGGCCGTCCCCATTGGTGTCGAACTGTGGC[G>T]GCGTTGGTTGTGGCGTCTGGTCACTGACAGTCATTCACACGCGCAGCCCCTCACTCACGG-3'

ClinVar aggregate classification (germline): Likely pathogenic (1 of 4 stars; one submission).

Conditions:
Autosomal recessive nonsyndromic hearing loss 93. Also called: Deafness, autosomal recessive 93. Identifiers: Orphanet 90636, MedGen C3888355, MONDO:0013963, OMIM 614899.

Submission:

Genetics Laboratory, Department of Biology, Semnan University
Classification: Likely pathogenic for Autosomal recessive nonsyndromic hearing loss 93. Last evaluated: 2021-04-02. Review status: criteria provided, single submitter. Criteria: ACMG Guidelines, 2015. Collection method: case-control. Allele origin: inherited. Inheritance: Autosomal recessive inheritance. Affected: yes. Observed: 1 homozygote.
Comment: The WES analysis identified a splice site mutation in the CABP2 gene on chromosome11 (NM_016366.3); chr11:67519948G/T c.490-8C>A. The mutation was predicted to be likely pathogenic based on ACMG guidelines . Our review of the public resources, local population database, and the literature revealed that there is no previous publication describing this mutation.